The following is an entry in ClinVar:

ClinVar aggregate classification (germline): Uncertain significance (1 of 4 stars; one submission).

Conditions:
Insulin-dependent diabetes mellitus secretory diarrhea syndrome (IPEX). Also called: Immune dysregulation-polyendocrinopathy-enteropathy-X-linked syndrome; IMMUNODEFICIENCY, POLYENDOCRINOPATHY, AND ENTEROPATHY, X-LINKED; Immunodeficiency, Polyendocrinopathy, and Enteropathy X-Linked Syndrome; X-Linked Syndrome of Polyendocrinopathy, Immune Dysfunction, and Diarrhea; DIABETES MELLITUS, CONGENITAL INSULIN-DEPENDENT, WITH FATAL SECRETORY DIARRHEA; DIARRHEA, POLYENDOCRINOPATHY, FATAL INFECTION SYNDROME, X-LINKED. Identifiers: Orphanet 37042, MedGen C0342288, MONDO:0010580, OMIM 304790. Disease mechanism: loss of function.

Submission:

Labcorp Genetics (formerly Invitae), Labcorp
Classification: Uncertain significance for Insulin-dependent diabetes mellitus secretory diarrhea syndrome. Last evaluated: 2019-12-19. Review status: criteria provided, single submitter. Criteria: Invitae Variant Classification Sherloc (09022015). Collection method: clinical testing. Allele origin: germline.
Comment: In summary, the available evidence is currently insufficient to determine the role of this variant in disease. Therefore, it has been classified as a Variant of Uncertain Significance. Experimental studies and prediction algorithms are not available for this variant, and the functional significance of this non-coding change is currently unknown. This variant has been observed in individuals affected with IPEX syndrome (PMID: 19471859, 30443250). In the literature, this variant is also referred to as an AAUAAA>AAUAAG or AATAAA>AATAAG change in the poly A site. The frequency data for this variant in the population databases is considered unreliable, as metrics indicate insufficient coverage at this position in the ExAC database. This variant occurs in a non-coding region of the FOXP3 gene. It does not change the encoded amino acid sequence of the FOXP3 protein.

Literature cited by the submitters: PubMed 19471859; PubMed 30443250.

NM_014009.4(FOXP3):c.*878A>G

Genes: CCDC22 (CCC complex scaffolding subunit CCDC22; plus strand), FOXP3 (forkhead box P3; minus strand). Cytogenetic location: Xp11.23.
Variant type: single nucleotide variant.
Coding change: c.*878A>G on transcript NM_014009.4 (MANE Select); 878 bases downstream of the stop codon, A replaced by G.
Molecular consequence: 3 prime UTR variant.
Genome position (GRCh38, 1-based): chrX:49,250,456, T>C on the plus strand (A>G on the coding strand, the complement: FOXP3 is on the minus strand). VCF-style: chrX-49250456-T-C. GRCh37 (hg19) VCF-style: chrX-49106917-T-C.
Other names: c.*195T>C (NM_014008.5); c.*878A>G (NM_001114377.2).
Identifiers: ClinVar variation 859614 (VCV000859614.9), dbSNP rs2066021673, ClinGen allele CA916082493.